The following is an entry in ClinVar:

ClinVar aggregate classification (germline): Likely benign (1 of 4 stars; one submission).

Conditions:
Breast-ovarian cancer, familial, susceptibility to, 2 (BROVCA2). Also called: BRCA2 Hereditary Breast and Ovarian Cancer. Identifiers: Orphanet 145, MedGen C2675520, MONDO:0012933, OMIM 612555. Disease mechanism: loss of function.

gnomAD v4.1: 1 of 1,597,488 alleles (0.000063%); highest among the groups gnomAD compares: Non-Finnish European, 0.000086%; no homozygotes.

Submission:

Cancer Bioinformatics and Tumour Evolution Laboratory, Monash University
Classification: Likely benign for Breast-ovarian cancer, familial, susceptibility to, 2. Last evaluated: 2026-05-01. Review status: criteria provided, single submitter. Criteria: ClinGen BRCA1 and BRCA2 Guidelines, 2024. Collection method: curation. Allele origin: germline. Inheritance: Autosomal dominant inheritance.
Comment: Missense variant outside of a functional domain with no splice impact. BRCA1 and BRCA2 VCEP guidelines recommend application of BP1_Strong (PMID: 39142283)

NM_000059.4(BRCA2):c.338G>C (p.Arg113Thr)

Gene: BRCA2 (BRCA2 DNA repair associated; plus strand). Cytogenetic location: 13q13.1.
Variant type: single nucleotide variant.
Coding change: c.338G>C on transcript NM_000059.4 (MANE Select); coding-DNA position 338, G replaced by C.
Protein change: p.Arg113Thr; replaces arginine 113 with threonine.
Molecular consequence: missense variant. On other transcripts: 5 prime UTR variant (1), non-coding transcript variant (1).
Genome position (GRCh38, 1-based): chr13:32,325,097, G>C. VCF-style: chr13-32325097-G-C. GRCh37 (hg19) VCF-style: chr13-32899234-G-C.
Other names: c.338G>C, p.Arg113Thr (NM_001406721.1, NM_001432077.1, NM_001406719.1 and 1 more transcripts); c.-32G>C (NM_001406722.1); short protein forms R113T.
Identifiers: ClinVar variation 4856495 (VCV004856495.1).